The following is an entry in ClinVar:

ClinVar aggregate classification (germline): Uncertain significance (1 of 4 stars; one submission).

Allele frequency attached by ClinVar (database versions not stated): gnomAD exomes below 0.00001; TOPMed below 0.00001.
gnomAD v4.1: 4 of 1,614,196 alleles (0.00025%); highest among the groups gnomAD compares: South Asian, 0.0022%; no homozygotes.

Submission:

Labcorp Genetics (formerly Invitae), Labcorp
Classification: Uncertain significance. Last evaluated: 2022-01-13. Review status: criteria provided, single submitter. Criteria: Invitae Variant Classification Sherloc (09022015). Collection method: clinical testing. Allele origin: germline.
Comment: This sequence change replaces leucine, which is neutral and non-polar, with phenylalanine, which is neutral and non-polar, at codon 59 of the TYR protein (p.Leu59Phe). In summary, the available evidence is currently insufficient to determine the role of this variant in disease. Therefore, it has been classified as a Variant of Uncertain Significance. Advanced modeling of protein sequence and biophysical properties (such as structural, functional, and spatial information, amino acid conservation, physicochemical variation, residue mobility, and thermodynamic stability) performed at Invitae indicates that this missense variant is not expected to disrupt TYR protein function. This variant has not been reported in the literature in individuals affected with TYR-related conditions. This variant is not present in population databases (gnomAD no frequency).

NM_000372.5(TYR):c.175C>T (p.Leu59Phe)

Gene: TYR (tyrosinase; plus strand). Cytogenetic location: 11q14.3.
Variant type: single nucleotide variant.
Coding change: c.175C>T on transcript NM_000372.5 (MANE Select); coding-DNA position 175, C replaced by T.
Protein change: p.Leu59Phe; replaces leucine 59 with phenylalanine.
Molecular consequence: missense variant.
Genome position (GRCh38, 1-based): chr11:89,178,128, C>T. VCF-style: chr11-89178128-C-T. GRCh37 (hg19) VCF-style: chr11-88911296-C-T.
Other names: short protein forms L59F.
Identifiers: ClinVar variation 1503865 (VCV001503865.8), dbSNP rs1001944031, ClinGen allele CA226290151.